The following is an entry in ClinVar:

ClinVar aggregate classification (germline): Uncertain significance. Review status: criteria provided, multiple submitters, no conflicts (2 of 4 stars). 2 submissions from 2 submitters: Uncertain significance (2). Last evaluated 2023-07-05.

Conditions:
Hereditary cancer-predisposing syndrome. Also called: Tumor predisposition; Hereditary neoplastic syndrome; Hereditary Cancer Syndrome; Neoplastic Syndromes, Hereditary. Identifiers: Orphanet 140162, MedGen C0027672, MeSH D009386, MONDO:0015356.

gnomAD v4.1: 1 of 1,613,926 alleles (0.000062%); highest among the groups gnomAD compares: Admixed American, 0.0017%; no homozygotes.

Submissions (2):

Ambry Genetics
Classification: Uncertain significance for Hereditary cancer-predisposing syndrome. Last evaluated: 2023-07-05. Review status: criteria provided, single submitter. Criteria: Ambry Variant Classification Scheme 2023. Collection method: clinical testing. Allele origin: germline.
Comment: The p.S2385F variant (also known as c.7154C>T), located in coding exon 15 of the APC gene, results from a C to T substitution at nucleotide position 7154. The serine at codon 2385 is replaced by phenylalanine, an amino acid with highly dissimilar properties. This amino acid position is conserved. In addition, in silico predictors for this gene do not accurately predict pathogenicity. Since supporting evidence is limited at this time, the clinical significance of this alteration remains unclear.

Color Diagnostics, LLC DBA Color Health
Classification: Uncertain significance for Hereditary cancer-predisposing syndrome. Last evaluated: 2021-02-11. Review status: criteria provided, single submitter. Criteria: ACMG Guidelines, 2015. Collection method: clinical testing. Allele origin: germline.
Comment: This missense variant replaces serine with phenylalanine at codon 2385 of the APC protein. Computational prediction suggests that this variant may not impact protein structure and function (internally defined REVEL score threshold <= 0.5, PMID: 27666373). To our knowledge, functional studies have not been reported for this variant. This variant has not been reported in individuals affected with hereditary cancer in the literature. This variant has not been identified in the general population by the Genome Aggregation Database (gnomAD). The available evidence is insufficient to determine the role of this variant in disease conclusively. Therefore, this variant is classified as a Variant of Uncertain Significance.

NM_000038.6(APC):c.7154C>T (p.Ser2385Phe)

Gene: APC (APC regulator of Wnt signaling pathway; plus strand). Cytogenetic location: 5q22.2.
Variant type: single nucleotide variant.
Coding change: c.7154C>T on transcript NM_000038.6 (MANE Select); coding-DNA position 7154, C replaced by T.
Protein change: p.Ser2385Phe; replaces serine 2385 with phenylalanine.
Molecular consequence: missense variant.
Genome position (GRCh38, 1-based): chr5:112,842,748, C>T. VCF-style: chr5-112842748-C-T. GRCh37 (hg19) VCF-style: chr5-112178445-C-T.
Other names: c.7154C>T, p.Ser2385Phe (NM_001127510.3, NM_001354895.2); c.7100C>T, p.Ser2367Phe (NM_001127511.3); c.7208C>T, p.Ser2403Phe (NM_001354896.2); c.7184C>T, p.Ser2395Phe (NM_001354897.2); c.7079C>T, p.Ser2360Phe (NM_001354898.2); c.7070C>T, p.Ser2357Phe (NM_001354899.2); c.7031C>T, p.Ser2344Phe (NM_001354900.2); c.6977C>T, p.Ser2326Phe (NM_001354901.2); and 5 more; short protein forms S2102F, S2225F, S2259F, S2284F, S2294F, S2326F, S2344F, S2357F.
Identifiers: ClinVar variation 1171312 (VCV001171312.4), dbSNP rs1482227229, ClinGen allele CA16036911.
Genomic context (GRCh38, chr5:112,842,748, plus strand): 5'-CATATACATCTCCAGGTAGACAGATGAGCCAACAGAACCTTACCAAACAAACAGGTTTAT[C>T]CAAGAATGCCAGTAGTATTCCAAGAAGTGAGTCTGCCTCCAAAGGACTAAATCAGATGAA-3'
Protein context (NP_000029.2, residues 2375-2395): QQNLTKQTGL[Ser2385Phe]KNASSIPRSE